The following is an entry in ClinVar:

NM_001378418.1(TCF20):c.3251A>G (p.His1084Arg)

Gene: TCF20 (transcription factor 20; minus strand). Cytogenetic location: 22q13.2.
Variant type: single nucleotide variant.
Coding change: c.3251A>G on transcript NM_001378418.1 (MANE Select); coding-DNA position 3251, A replaced by G.
Protein change: p.His1084Arg; replaces histidine 1084 with arginine.
Molecular consequence: missense variant.
Genome position (GRCh38, 1-based): chr22:42,212,055, T>C on the plus strand (A>G on the coding strand, the complement: TCF20 is on the minus strand). VCF-style: chr22-42212055-T-C. GRCh37 (hg19) VCF-style: chr22-42608061-T-C.
Other names: c.3251A>G, p.His1084Arg (NM_005650.4, NM_181492.3); short protein forms H1084R.
Identifiers: ClinVar variation 2704254 (VCV002704254.3), dbSNP rs747351728, ClinGen allele CA10266864.

ClinVar aggregate classification (germline): Uncertain significance (1 of 4 stars; one submission).

Allele frequency attached by ClinVar (database versions not stated): ExAC 0.00001.

Submission:

Labcorp Genetics (formerly Invitae), Labcorp
Classification: Uncertain significance. Last evaluated: 2025-10-02. Review status: criteria provided, single submitter. Criteria: Invitae Variant Classification Sherloc (09022015). Collection method: clinical testing. Allele origin: germline.
Comment: This sequence change replaces histidine, which is basic and polar, with arginine, which is basic and polar, at codon 1084 of the TCF20 protein (p.His1084Arg). This variant is present in population databases (rs747351728, gnomAD 0.0009%). This variant has not been reported in the literature in individuals affected with TCF20-related conditions. ClinVar contains an entry for this variant (Variation ID: 2704254). An algorithm developed to predict the effect of missense changes on protein structure and function (PolyPhen-2) suggests that this variant is likely to be disruptive. In summary, the available evidence is currently insufficient to determine the role of this variant in disease. Therefore, it has been classified as a Variant of Uncertain Significance.